The following is an entry in ClinVar:

ClinVar aggregate classification (germline): Likely benign. Review status: criteria provided, multiple submitters, no conflicts (2 of 4 stars). 6 submissions from 6 submitters: Likely benign (6). Last evaluated 2024-12-24.

Conditions:
MYH14-related disorder. Also called: MYH14-related condition.
Peripheral neuropathy-myopathy-hoarseness-hearing loss syndrome. Identifiers: Orphanet 397744, MedGen C3280556, MONDO:0013711, OMIM 614369.
Autosomal dominant nonsyndromic hearing loss 4A. Also called: Deafness, autosomal dominant 4A. Identifiers: Orphanet 90635, MedGen C1833503, MONDO:0010915, OMIM 600652.

Allele frequency attached by ClinVar (database versions not stated): gnomAD 0.00012 and 0.00013; TOPMed 0.00013; 1000 Genomes Project 30x 0.00047; 1000 Genomes Project 0.00060.
gnomAD v4.1: 115 of 1,613,440 alleles (0.0071%); highest among the groups gnomAD compares: East Asian, 0.23%; 1 homozygote.

Submissions (6):

PreventionGenetics, part of Exact Sciences
Classification: Likely benign for MYH14-related condition. Last evaluated: 2024-12-24. Review status: criteria provided, single submitter. Criteria: ACMG Guidelines, 2015. Collection method: clinical testing. Allele origin: germline.
Comment: This variant is classified as likely benign based on ACMG/AMP sequence variant interpretation guidelines (Richards et al. 2015 PMID: 25741868, with internal and published modifications).

Blueprint Genetics
Classification: Likely benign. Last evaluated: 2024-11-26. Review status: criteria provided, single submitter. Criteria: ACMG Guidelines, 2015. Collection method: clinical testing. Allele origin: germline.

Labcorp Genetics (formerly Invitae), Labcorp
Classification: Likely benign. Last evaluated: 2024-11-19. Review status: criteria provided, single submitter. Criteria: Invitae Variant Classification Sherloc (09022015). Collection method: clinical testing. Allele origin: germline.

Fulgent Genetics
Classification: Likely benign for Autosomal dominant nonsyndromic hearing loss 4A; Peripheral neuropathy-myopathy-hoarseness-hearing loss syndrome. Last evaluated: 2021-08-10. Review status: criteria provided, single submitter. Criteria: ACMG Guidelines, 2015. Collection method: clinical testing. Allele origin: unknown.

GeneDx
Classification: Likely benign. Last evaluated: 2019-04-25. Review status: criteria provided, single submitter. Criteria: GeneDx Variant Classification Process June 2021. Collection method: clinical testing. Allele origin: germline. Affected: yes.
Comment: In silico analysis, which includes protein predictors and evolutionary conservation, supports a deleterious effect; Has not been previously published as pathogenic or benign to our knowledge

Laboratory for Molecular Medicine, Mass General Brigham Personalized Medicine
Classification: Likely benign. Last evaluated: 2015-06-04. Review status: criteria provided, single submitter. Criteria: LMM Criteria. Collection method: clinical testing. Allele origin: germline. Observed: 4 variant alleles.
Comment: p.Tyr434Cys in exon 12 of MYH14: This variant is not expected to have clinical s ignificance because it has been identified in 0.4% (36/8364) of East Asian chrom osomes by the Exome Aggregation Consortium (ExAC ; dbSNP rs556541366).

NM_001145809.2(MYH14):c.1301A>G (p.Tyr434Cys)

Gene: MYH14 (myosin heavy chain 14; plus strand). Cytogenetic location: 19q13.33.
Variant type: single nucleotide variant.
Coding change: c.1301A>G on transcript NM_001145809.2 (MANE Select); coding-DNA position 1301, A replaced by G.
Protein change: p.Tyr434Cys; replaces tyrosine 434 with cysteine.
Molecular consequence: missense variant.
Genome position (GRCh38, 1-based): chr19:50,247,094, A>G. VCF-style: chr19-50247094-A-G. GRCh37 (hg19) VCF-style: chr19-50750351-A-G.
Other names: c.1301A>G, p.Tyr434Cys (NM_001077186.2); c.1277A>G, p.Tyr426Cys (NM_024729.4); short protein forms Y434C, Y426C.
Identifiers: ClinVar variation 179004 (VCV000179004.18), dbSNP rs556541366, ClinGen allele CA183474.